The following is an entry in ClinVar:

NM_000321.3(RB1):c.1673_1674dup (p.Glu559fs)

Gene: RB1 (RB transcriptional corepressor 1; plus strand). Cytogenetic location: 13q14.2.
Variant type: Duplication.
Coding change: c.1673_1674dup on transcript NM_000321.3 (MANE Select); coding-DNA positions 1673 to 1674, 2 bases duplicated (TG; older notation c.1673_1674dupTG).
Protein change: p.Glu559fs; shifts the reading frame from glutamic acid 559.
Molecular consequence: frameshift variant.
Genome position (GRCh38, 1-based): chr13:48,381,421-48,381,422, TG duplicated. VCF-style (leftmost placement, unchanged base first): chr13-48381420-A-ATG. GRCh37 (hg19) VCF-style: chr13-48955556-A-ATG.
Other names: c.1673_1674dupTG (NM_000321.2); short protein forms E559fs.
Identifiers: ClinVar variation 410928 (VCV000410928.6), dbSNP rs1555286707, ClinGen allele CA16614058.
Genomic context (GRCh38, chr13:48,381,420, plus strand): 5'-GCAGAAGGCAACTTGACAAGAGAAATGATAAAACATTTAGAACGATGTGAACATCGAATC[A>ATG]TGGAATCCCTTGCATGGCTCTCAGTAAGTAGCTAAATAATTGAAGAAATTCATTCATGTG-3'

ClinVar aggregate classification (germline): Pathogenic (1 of 4 stars; one submission).

Conditions:
Retinoblastoma (RB1). Also called: RETINOBLASTOMA, SOMATIC. Identifiers: Orphanet 790, MedGen C0035335, MeSH D012175, MONDO:0008380, OMIM 180200, HP:0009919. Disease mechanism: loss of function. Inheritance: Both sporadic and heritable forms are tested..

Submission:

Labcorp Genetics (formerly Invitae), Labcorp
Classification: Pathogenic for Retinoblastoma. Last evaluated: 2016-05-26. Review status: criteria provided, single submitter. Criteria: Invitae Variant Classification Sherloc (09022015). Collection method: clinical testing. Allele origin: germline.
Comment: While this particular variant has not been reported in the literature, truncating variants in RB1 are known to be pathogenic (PMID: 17096365). For these reasons, this variant has been classified as Pathogenic. This sequence change inserts 2 nucleotides in exon 17 of the RB1 mRNA (c.1673_1674dupTG), causing a frameshift at codon 559. This creates a premature translational stop signal (p.Glu559Trpfs*53) and is expected to result in an absent or disrupted protein product.

Literature cited by the submitters: PubMed 17096365.